The following is an entry in ClinVar:

NM_005901.6(SMAD2):c.748_754del (p.Ser250fs)

Gene: SMAD2 (SMAD family member 2; minus strand). Cytogenetic location: 18q21.1.
Variant type: Deletion.
Coding change: c.748_754del on transcript NM_005901.6 (MANE Select); coding-DNA positions 748 to 754, 7 bases deleted (TCTCCTA; older notation c.748_754delTCTCCTA).
Protein change: p.Ser250fs; shifts the reading frame from serine 250.
Molecular consequence: frameshift variant.
Genome position (GRCh38, 1-based): chr18:47,851,304-47,851,310, TAGGAGA deleted on the plus strand (TCTCCTA on the coding strand, the reverse complement: SMAD2 is on the minus strand); deleting any 7 consecutive bases within chr18:47,851,304-47,851,313 gives the same sequence; the c. name uses the placement nearest the transcript's 3' end. VCF-style (leftmost placement, unchanged base first): chr18-47851303-GTAGGAGA-G. GRCh37 (hg19) VCF-style: chr18-45377674-GTAGGAGA-G.
Other names: c.748_754del, p.Ser250fs (NM_001003652.4); c.658_664del, p.Ser220fs (NM_001135937.3); short protein forms S220fs, S250fs.
Identifiers: ClinVar variation 1805110 (VCV001805110.1), dbSNP rs2511326359, ClinGen allele CA2573050691.

ClinVar aggregate classification (germline): Pathogenic (1 of 4 stars; one submission).

Conditions:
Loeys-Dietz syndrome 6. Identifiers: MedGen C5562041, MONDO:0030500, OMIM 619656.

Submission:

Victorian Clinical Genetics Services, Murdoch Childrens Research Institute
Classification: Pathogenic for Loeys-Dietz syndrome 6. Last evaluated: 2022-06-24. Review status: criteria provided, single submitter. Criteria: ACMG Guidelines, 2015. Collection method: clinical testing. Allele origin: germline. Inheritance: Autosomal dominant inheritance. Affected: yes.
Comment: Based on the classification scheme VCGS_Germline_v1.3.4, this variant is classified as Pathogenic. Following criteria are met: 0102 - Loss of function is a known mechanism of disease in this gene and is associated with Loeys-Dietz syndrome 6 (LDS; MIM#619656). (I) 0107 - This gene is associated with autosomal dominant disease. (I) 0112 - The condition associated with this gene has incomplete penetrance. Rare examples of non-penetrance in LDS have been documented, including somatic mosaicism (GeneReviews). (I) 0115 - Variants in this gene are known to have variable expressivity. Intrafamilial variability has been reported in LDS (GeneReviews). (I) 0201 - Variant is predicted to cause nonsense-mediated decay (NMD) and loss of protein (premature termination codon is located at least 54 nucleotides upstream of the final exon-exon junction). (SP) 0251 - This variant is heterozygous. (I) 0301 - Variant is absent from gnomAD (both v2 and v3). (SP) 0702 - Other NMD-predicted variants comparable to the one identified in this case have strong previous evidence for pathogenicity (DECIPHER). (SP) 0807 - This variant has no previous evidence of pathogenicity. (I) 0905 - No published segregation evidence has been identified for this variant. (I) 1007 - No published functional evidence has been identified for this variant. (I) Legend: (SP) - Supporting pathogenic, (I) - Information, (SB) - Supporting benign